The following is an entry in ClinVar:

NM_001040142.2(SCN2A):c.1348C>T (p.Leu450Phe)

Gene: SCN2A (sodium voltage-gated channel alpha subunit 2; plus strand). Cytogenetic location: 2q24.3.
Variant type: single nucleotide variant.
Coding change: c.1348C>T on transcript NM_001040142.2 (MANE Select); coding-DNA position 1348, C replaced by T.
Protein change: p.Leu450Phe; replaces leucine 450 with phenylalanine.
Molecular consequence: missense variant.
Genome position (GRCh38, 1-based): chr2:165,314,073, C>T. VCF-style: chr2-165314073-C-T. GRCh37 (hg19) VCF-style: chr2-166170583-C-T.
Other names: c.1348C>T, p.Leu450Phe (NM_001040143.2, NM_001371246.1, NM_001371247.1 and 1 more transcripts); short protein forms L450F.
Identifiers: ClinVar variation 2944176 (VCV002944176.3), dbSNP rs1166086031, ClinGen allele CA349022440.

ClinVar aggregate classification (germline): Uncertain significance (1 of 4 stars; one submission).

Conditions:
Seizures, benign familial infantile, 3 (BFIS3). Also called: CONVULSIONS, BENIGN FAMILIAL INFANTILE, 3; Familial neonatal seizures. Identifiers: Orphanet 140927, Orphanet 306, MedGen C1843140, MONDO:0011904, OMIM 607745.
Developmental and epileptic encephalopathy, 11 (DEE11). Also called: Early infantile epileptic encephalopathy 11. Identifiers: Orphanet 1934, MedGen C3150987, MONDO:0013388, OMIM 613721.

Submission:

Labcorp Genetics (formerly Invitae), Labcorp
Classification: Uncertain significance for Seizures, benign familial infantile, 3; Developmental and epileptic encephalopathy, 11. Last evaluated: 2023-02-11. Review status: criteria provided, single submitter. Criteria: Invitae Variant Classification Sherloc (09022015). Collection method: clinical testing. Allele origin: germline.
Comment: Advanced modeling of protein sequence and biophysical properties (such as structural, functional, and spatial information, amino acid conservation, physicochemical variation, residue mobility, and thermodynamic stability) performed at Invitae indicates that this missense variant is expected to disrupt SCN2A protein function. In summary, the available evidence is currently insufficient to determine the role of this variant in disease. Therefore, it has been classified as a Variant of Uncertain Significance. This sequence change replaces leucine, which is neutral and non-polar, with phenylalanine, which is neutral and non-polar, at codon 450 of the SCN2A protein (p.Leu450Phe). This variant is not present in population databases (gnomAD no frequency). This variant has not been reported in the literature in individuals affected with SCN2A-related conditions.